The following is an entry in ClinVar:

ClinVar aggregate classification (germline): Uncertain significance (1 of 4 stars; one submission).

gnomAD v4.1: 35 of 1,613,900 alleles (0.0022%); highest among the groups gnomAD compares: East Asian, 0.067%; no homozygotes.

Submission:

Ambry Genetics
Classification: Uncertain significance. Last evaluated: 2026-07-13. Review status: criteria provided, single submitter. Criteria: Ambry Variant Classification Scheme 2023. Collection method: clinical testing. Allele origin: germline.
Comment: The p.Q716H variant (also known as c.2148G>T), located in coding exon 19 of the KIF6 gene, results from a G to T substitution at nucleotide position 2148. The glutamine at codon 716 is replaced by histidine, an amino acid with highly similar properties. This amino acid position is conserved. In addition, this alteration is predicted to be tolerated by in silico analysis. Based on the available evidence, the clinical significance of this variant remains unclear.

NM_145027.6(KIF6):c.2148G>T (p.Gln716His)

Gene: KIF6 (kinesin family member 6; minus strand). Cytogenetic location: 6p21.2.
Variant type: single nucleotide variant.
Coding change: c.2148G>T on transcript NM_145027.6 (MANE Select); coding-DNA position 2148, G replaced by T.
Protein change: p.Gln716His; replaces glutamine 716 with histidine.
Molecular consequence: missense variant.
Genome position (GRCh38, 1-based): chr6:39,357,309, C>A on the plus strand (G>T on the coding strand, the complement: KIF6 is on the minus strand). VCF-style: chr6-39357309-C-A. GRCh37 (hg19) VCF-style: chr6-39325085-C-A.
Other names: c.2097G>T, p.Gln699His (NM_001289020.3); c.1980G>T, p.Gln660His (NM_001289021.3); c.501G>T, p.Gln167His (NM_001289024.3, NM_001351566.2); short protein forms Q699H, Q167H, Q660H, Q716H.
Identifiers: ClinVar variation 5023265 (VCV005023265.1).